The following is an entry in ClinVar:

NM_000081.4(LYST):c.5290G>A (p.Gly1764Ser)

Gene: LYST (lysosomal trafficking regulator; minus strand). Cytogenetic location: 1q42.3.
Variant type: single nucleotide variant.
Coding change: c.5290G>A on transcript NM_000081.4 (MANE Select); coding-DNA position 5290, G replaced by A.
Protein change: p.Gly1764Ser; replaces glycine 1764 with serine.
Molecular consequence: missense variant.
Genome position (GRCh38, 1-based): chr1:235,777,233, C>T on the plus strand (G>A on the coding strand, the complement: LYST is on the minus strand). VCF-style: chr1-235777233-C-T. GRCh37 (hg19) VCF-style: chr1-235940533-C-T.
Other names: c.5290G>A, p.Gly1764Ser (NM_001301365.1); short protein forms G1764S.
Identifiers: ClinVar variation 1359937 (VCV001359937.6), dbSNP rs749778166, ClinGen allele CA1466656.
Genomic context (GRCh38, chr1:235,777,233, plus strand): 5'-AGATGCTCTGAACTTCTTTTGAGCTGAAGGGTCTTTGAGAGAGTTGGGTTTTCATTTGAC[C>T]TTTAAGTCTAATCACTGGTTCATAGATGGTATACTGAGCAGGACAGTAAGTTGTATAAAC-3'
Protein context (NP_000072.2, residues 1754-1774): TIYEPVIRLK[Gly1764Ser]QMKTQLSQRP

ClinVar aggregate classification (germline): Uncertain significance. Review status: criteria provided, multiple submitters, no conflicts (2 of 4 stars). 2 submissions from 2 submitters: Uncertain significance (2). Last evaluated 2024-10-16.

Conditions:
Chédiak-Higashi syndrome (CHS). Also called: Chediak-Higashi Syndrome. Identifiers: Orphanet 167, MedGen C0007965, MONDO:0008963, OMIM 214500.

Allele frequency attached by ClinVar (database versions not stated): gnomAD exomes 0.00001; gnomAD 0.00002; ExAC 0.00003; TOPMed 0.00003.
gnomAD v4.1: 20 of 1,613,294 alleles (0.0012%); highest among the groups gnomAD compares: East Asian, 0.011%; no homozygotes.

Submissions (2):

Labcorp Genetics (formerly Invitae), Labcorp
Classification: Uncertain significance for Chédiak-Higashi syndrome. Last evaluated: 2024-10-16. Review status: criteria provided, single submitter. Criteria: Invitae Variant Classification Sherloc (09022015). Collection method: clinical testing. Allele origin: germline.
Comment: This sequence change replaces glycine, which is neutral and non-polar, with serine, which is neutral and polar, at codon 1764 of the LYST protein (p.Gly1764Ser). This variant is present in population databases (rs749778166, gnomAD 0.02%). This variant has not been reported in the literature in individuals affected with LYST-related conditions. ClinVar contains an entry for this variant (Variation ID: 1359937). Invitae Evidence Modeling of protein sequence and biophysical properties (such as structural, functional, and spatial information, amino acid conservation, physicochemical variation, residue mobility, and thermodynamic stability) indicates that this missense variant is not expected to disrupt LYST protein function with a negative predictive value of 80%. In summary, the available evidence is currently insufficient to determine the role of this variant in disease. Therefore, it has been classified as a Variant of Uncertain Significance.

Neuberg Centre For Genomic Medicine, NCGM
Classification: Uncertain significance for Chédiak-Higashi syndrome. Review status: criteria provided, single submitter. Criteria: ACMG Guidelines, 2015. Collection method: clinical testing. Allele origin: germline. Inheritance: Autosomal recessive inheritance. Affected: yes.
Comment: The missense c.5290G>A p.Gly1764Ser variant in the LYST gene has not been reported previously as a pathogenic variant nor as a benign variant, to our knowledge. The variant has allele frequency 0.002% in gnomAD Exomes and is novel not in any individuals in 1000 Genomes. This variant has been reported to the ClinVar database as Uncertain Significance. However, no details are available for independent assessment. The amino acid Glycine at position 1764 is changed to a Serine changing protein sequence and it might alter its composition and physico-chemical properties. The amino acid change p.Gly1764Ser in LYST is predicted as conserved by GERP++ and PhyloP across 100 vertebrates. For these reasons, this variant has been classified as Uncertain Significance.